The following is an entry in ClinVar:

ClinVar aggregate classification (germline): Uncertain significance (1 of 4 stars; one submission).

Conditions:
Hereditary cancer-predisposing syndrome. Also called: Tumor predisposition; Hereditary Cancer Syndrome; Neoplastic Syndromes, Hereditary; Hereditary neoplastic syndrome. Identifiers: Orphanet 140162, MedGen C0027672, MeSH D009386, MONDO:0015356.

Submission:

Color Diagnostics, LLC DBA Color Health
Classification: Uncertain significance for Hereditary cancer-predisposing syndrome. Last evaluated: 2025-06-25. Review status: criteria provided, single submitter. Criteria: ACMG Guidelines, 2015. Collection method: clinical testing. Allele origin: germline.
Comment: This missense variant replaces asparagine with aspartic acid at codon 2811 of the APC protein. Computational prediction suggests that this variant may not impact protein structure and function. To our knowledge, functional studies have not been reported for this variant. This variant has not been reported in individuals affected with APC-related disorders in the literature. This variant has not been identified in the general population by the Genome Aggregation Database (gnomAD). The available evidence is insufficient to determine the role of this variant in disease conclusively. Therefore, this variant is classified as a Variant of Uncertain Significance.

NM_000038.6(APC):c.8431A>G (p.Asn2811Asp)

Gene: APC (APC regulator of Wnt signaling pathway; plus strand). Cytogenetic location: 5q22.2.
Variant type: single nucleotide variant.
Coding change: c.8431A>G on transcript NM_000038.6 (MANE Select); coding-DNA position 8431, A replaced by G.
Protein change: p.Asn2811Asp; replaces asparagine 2811 with aspartic acid.
Molecular consequence: missense variant. On other transcripts: non-coding transcript variant (2).
Genome position (GRCh38, 1-based): chr5:112,844,025, A>G. VCF-style: chr5-112844025-A-G. GRCh37 (hg19) VCF-style: chr5-112179722-A-G.
Other names: c.8431A>G, p.Asn2811Asp (NM_001127510.3, NM_001354895.2, NM_001407450.1); c.8377A>G, p.Asn2793Asp (NM_001127511.3); c.8485A>G, p.Asn2829Asp (NM_001354896.2, NM_001407447.1, NM_001407448.1 and 1 more transcripts); c.8461A>G, p.Asn2821Asp (NM_001354897.2); c.8356A>G, p.Asn2786Asp (NM_001354898.2); c.8347A>G, p.Asn2783Asp (NM_001354899.2); c.8308A>G, p.Asn2770Asp (NM_001354900.2); c.8254A>G, p.Asn2752Asp (NM_001354901.2, NM_001407453.1); and 11 more; short protein forms N2427D, N2528D, N2651D, N2682D, N2685D, N2710D, N2720D, N2728D.
Identifiers: ClinVar variation 4757019 (VCV004757019.1).
Genomic context (GRCh38, chr5:112,844,025, plus strand): 5'-AGGAAAAGCAGCGCAGATAGCACTTCAGCTCGGCCATCTCAGATCCCAACTCCAGTGAAT[A>G]ACAACACAAAGAAGCGAGATTCCAAAACTGACAGCACAGAATCCAGTGGAACCCAAAGTC-3'
Protein context (NP_000029.2, residues 2801-2821): RPSQIPTPVN[Asn2811Asp]NTKKRDSKTD